The following is an entry in ClinVar:

ClinVar aggregate classification (germline): Uncertain significance. Review status: criteria provided, multiple submitters, no conflicts (2 of 4 stars). 2 submissions from 2 submitters: Uncertain significance (2). Last evaluated 2026-07-23.

Conditions:
TBX3-related disorder. Also called: TBX3-related condition.
Ulnar-mammary syndrome (UMS). Also called: Ulnar-mammary syndrome of Pallister; PALLISTER ULNAR-MAMMARY SYNDROME; SCHINZEL SYNDROME. Identifiers: Orphanet 3138, MedGen C1866994, MONDO:0008411, OMIM 181450.

Allele frequency attached by ClinVar (database versions not stated): ExAC 0.00003.

Submissions (2):

PreventionGenetics, part of Exact Sciences
Classification: Uncertain significance for TBX3-related condition. Last evaluated: 2026-07-23. Review status: criteria provided, single submitter. Criteria: ACMG Guidelines, 2015. Collection method: clinical testing. Allele origin: germline.
Comment: The TBX3 c.1352C>T variant is predicted to result in the amino acid substitution p.Ala451Val. To our knowledge, this variant has not been reported in the literature. This variant is reported in 0.0011% of alleles in individuals of European (Non-Finnish) descent in gnomAD. At this time, the clinical significance of this variant is uncertain due to the absence of conclusive functional and genetic evidence.

Labcorp Genetics (formerly Invitae), Labcorp
Classification: Uncertain significance for Ulnar-mammary syndrome. Last evaluated: 2022-09-27. Review status: criteria provided, single submitter. Criteria: Invitae Variant Classification Sherloc (09022015). Collection method: clinical testing. Allele origin: germline.
Comment: ClinVar contains an entry for this variant (Variation ID: 1463019). This variant has not been reported in the literature in individuals affected with TBX3-related conditions. The frequency data for this variant in the population databases is considered unreliable, as metrics indicate poor data quality at this position in the gnomAD database. This sequence change replaces alanine, which is neutral and non-polar, with valine, which is neutral and non-polar, at codon 431 of the TBX3 protein (p.Ala431Val). In summary, the available evidence is currently insufficient to determine the role of this variant in disease. Therefore, it has been classified as a Variant of Uncertain Significance. Algorithms developed to predict the effect of missense changes on protein structure and function output the following: SIFT: "Deleterious"; PolyPhen-2: "Benign"; Align-GVGD: "Class C0". The valine amino acid residue is found in multiple mammalian species, which suggests that this missense change does not adversely affect protein function.

NM_005996.4(TBX3):c.1292C>T (p.Ala431Val)

Gene: TBX3 (T-box transcription factor 3; minus strand). Cytogenetic location: 12q24.21.
Variant type: single nucleotide variant.
Coding change: c.1292C>T on transcript NM_005996.4 (MANE Select); coding-DNA position 1292, C replaced by T.
Protein change: p.Ala431Val; replaces alanine 431 with valine.
Molecular consequence: missense variant.
Genome position (GRCh38, 1-based): chr12:114,674,583, G>A on the plus strand (C>T on the coding strand, the complement: TBX3 is on the minus strand). VCF-style: chr12-114674583-G-A. GRCh37 (hg19) VCF-style: chr12-115112388-G-A.
Other names: c.1352C>T (NM_016569.3); c.1352C>T, p.Ala451Val (NM_016569.4); short protein forms A431V, A451V.
Identifiers: ClinVar variation 1463019 (VCV001463019.7), dbSNP rs565848855, ClinGen allele CA6809942.